The following is an entry in ClinVar:

NM_033087.4(ALG2):c.678C>G (p.Phe226Leu)

Gene: ALG2 (ALG2 alpha-1,3/1,6-mannosyltransferase; minus strand). Cytogenetic location: 9q22.33.
Variant type: single nucleotide variant.
Coding change: c.678C>G on transcript NM_033087.4 (MANE Select); coding-DNA position 678, C replaced by G.
Protein change: p.Phe226Leu; replaces phenylalanine 226 with leucine.
Molecular consequence: missense variant. On other transcripts: non-coding transcript variant (1).
Genome position (GRCh38, 1-based): chr9:99,218,507, G>C on the plus strand (C>G on the coding strand, the complement: ALG2 is on the minus strand). VCF-style: chr9-99218507-G-C. GRCh37 (hg19) VCF-style: chr9-101980789-G-C.
Other names: short protein forms F226L.
Identifiers: ClinVar variation 579461 (VCV000579461.10), dbSNP rs866855594, ClinGen allele CA374228386.

ClinVar aggregate classification (germline): Uncertain significance (1 of 4 stars; one submission).

Conditions:
Congenital myasthenic syndrome 14. Also called: Myasthenic syndrome, congenital, 14, with tubular aggregates. Identifiers: Orphanet 353327, Orphanet 590, MedGen C4015597, MONDO:0014543, OMIM 616228.
Congenital disorder of glycosylation, type Ii. Also called: ALG2-congenital disorder of glycosylation; ALG2-CDG; CDG Ii. Identifiers: Orphanet 79326, MedGen C1842836, MONDO:0011933, OMIM 607906.

Submission:

Labcorp Genetics (formerly Invitae), Labcorp
Classification: Uncertain significance for Congenital disorder of glycosylation, type Ii; Congenital myasthenic syndrome 14. Last evaluated: 2025-01-06. Review status: criteria provided, single submitter. Criteria: Invitae Variant Classification Sherloc (09022015). Collection method: clinical testing. Allele origin: germline.
Comment: This sequence change replaces phenylalanine, which is neutral and non-polar, with leucine, which is neutral and non-polar, at codon 226 of the ALG2 protein (p.Phe226Leu). This variant is not present in population databases (gnomAD no frequency). This variant has not been reported in the literature in individuals affected with ALG2-related conditions. ClinVar contains an entry for this variant (Variation ID: 579461). An algorithm developed to predict the effect of missense changes on protein structure and function (PolyPhen-2) suggests that this variant is likely to be tolerated. In summary, the available evidence is currently insufficient to determine the role of this variant in disease. Therefore, it has been classified as a Variant of Uncertain Significance.